The following is an entry in ClinVar:

NM_005862.3(STAG1):c.455_458del (p.Thr152fs)

Gene: STAG1 (STAG1 cohesin complex component; minus strand). Cytogenetic location: 3q22.3.
Variant type: Deletion.
Coding change: c.455_458del on transcript NM_005862.3 (MANE Select); coding-DNA positions 455 to 458, 4 bases deleted (CTGA; older notation c.455_458delCTGA).
Protein change: p.Thr152fs; shifts the reading frame from threonine 152.
Molecular consequence: frameshift variant.
Genome position (GRCh38, 1-based): chr3:136,542,132-136,542,135, TCAG deleted on the plus strand (CTGA on the coding strand, the reverse complement: STAG1 is on the minus strand); deleting any 4 consecutive bases within chr3:136,542,132-136,542,138 gives the same sequence; the c. name uses the placement nearest the transcript's 3' end. VCF-style (leftmost placement, unchanged base first): chr3-136542131-TTCAG-T. GRCh37 (hg19) VCF-style: chr3-136260973-TTCAG-T.
Other names: short protein forms T152fs.
Identifiers: ClinVar variation 4809952 (VCV004809952.1).

ClinVar aggregate classification (germline): Pathogenic (1 of 4 stars; one submission).

Submission:

Labcorp Genetics (formerly Invitae), Labcorp
Classification: Pathogenic. Last evaluated: 2025-07-21. Review status: criteria provided, single submitter. Criteria: Invitae Variant Classification Sherloc (09022015). Collection method: clinical testing. Allele origin: germline.
Comment: This sequence change creates a premature translational stop signal (p.Thr152Lysfs*33) in the STAG1 gene. It is expected to result in an absent or disrupted protein product. Loss-of-function variants in STAG1 are known to be pathogenic (PMID: 28119487). This variant is not present in population databases (gnomAD no frequency). This variant has not been reported in the literature in individuals affected with STAG1-related conditions. For these reasons, this variant has been classified as Pathogenic.

Literature cited by the submitters: PubMed 28119487.